The following is an entry in ClinVar:

NM_004168.4(SDHA):c.772G>T (p.Gly258Cys)

Gene: SDHA (succinate dehydrogenase complex flavoprotein subunit A; plus strand). Cytogenetic location: 5p15.33.
Variant type: single nucleotide variant.
Coding change: c.772G>T on transcript NM_004168.4 (MANE Select); coding-DNA position 772, G replaced by T.
Protein change: p.Gly258Cys; replaces glycine 258 with cysteine.
Molecular consequence: missense variant.
Genome position (GRCh38, 1-based): chr5:230,877, G>T. VCF-style: chr5-230877-G-T. GRCh37 (hg19) VCF-style: chr5-230992-G-T.
Other names: c.628G>T, p.Gly210Cys (NM_001294332.2); c.772G>T, p.Gly258Cys (NM_001330758.2); short protein forms G210C, G258C.
Identifiers: ClinVar variation 2000858 (VCV002000858.4), dbSNP rs2477331752, ClinGen allele CA359011516.

ClinVar aggregate classification (germline): Uncertain significance (1 of 4 stars; one submission).

Conditions:
Pheochromocytoma/paraganglioma syndrome 5. Also called: Paragangliomas 5; SDHA-Related Hereditary Paraganglioma-Pheochromocytoma Syndrome. Identifiers: Orphanet 29072, MedGen C3279992, MONDO:0013602, OMIM 614165.
Mitochondrial complex II deficiency, nuclear type 1. Also called: SUCCINATE CoQ REDUCTASE DEFICIENCY. Identifiers: Orphanet 3208, MedGen C5700310, MONDO:0100294, OMIM 252011.

Allele frequency attached by ClinVar (database versions not stated): gnomAD exomes below 0.00001.
gnomAD v4.1: 1 of 1,614,132 alleles (0.000062%); highest among the groups gnomAD compares: Non-Finnish European, 0.000085%; no homozygotes.

Submission:

Labcorp Genetics (formerly Invitae), Labcorp
Classification: Uncertain significance for Pheochromocytoma/paraganglioma syndrome 5; Mitochondrial complex II deficiency, nuclear type 1. Last evaluated: 2025-05-26. Review status: criteria provided, single submitter. Criteria: Invitae Variant Classification Sherloc (09022015). Collection method: clinical testing. Allele origin: germline.
Comment: This sequence change replaces glycine, which is neutral and non-polar, with cysteine, which is neutral and slightly polar, at codon 258 of the SDHA protein (p.Gly258Cys). This variant is not present in population databases (gnomAD no frequency). This variant has not been reported in the literature in individuals affected with SDHA-related conditions. ClinVar contains an entry for this variant (Variation ID: 2000858). An algorithm developed to predict the effect of missense changes on protein structure and function (PolyPhen-2) suggests that this variant is likely to be disruptive. In summary, the available evidence is currently insufficient to determine the role of this variant in disease. Therefore, it has been classified as a Variant of Uncertain Significance.